The following is an entry in ClinVar:

ClinVar aggregate classification (germline): Uncertain significance. Review status: criteria provided, multiple submitters, no conflicts (2 of 4 stars). 2 submissions from 2 submitters: Uncertain significance (2). Last evaluated 2025-08-02.

Allele frequency attached by ClinVar (database versions not stated): gnomAD 0.00020; ESP Exome Variant Server 0.00069.
gnomAD v4.1: 94 of 1,610,048 alleles (0.0058%); highest among the groups gnomAD compares: African/African-American, 0.089%; no homozygotes.

Submissions (2):

Labcorp Genetics (formerly Invitae), Labcorp
Classification: Uncertain significance. Last evaluated: 2025-08-02. Review status: criteria provided, single submitter. Criteria: Invitae Variant Classification Sherloc (09022015). Collection method: clinical testing. Allele origin: germline.
Comment: This sequence change replaces arginine, which is basic and polar, with cysteine, which is neutral and slightly polar, at codon 1350 of the FBN3 protein (p.Arg1350Cys). This variant is present in population databases (rs149551378, gnomAD 0.1%), and has an allele count higher than expected for a pathogenic variant. This variant has not been reported in the literature in individuals affected with FBN3-related conditions. ClinVar contains an entry for this variant (Variation ID: 2080777). Invitae Evidence Modeling of protein sequence and biophysical properties (such as structural, functional, and spatial information, amino acid conservation, physicochemical variation, residue mobility, and thermodynamic stability) indicates that this missense variant is not expected to disrupt FBN3 protein function with a negative predictive value of 80%. In summary, the available evidence is currently insufficient to determine the role of this variant in disease. Therefore, it has been classified as a Variant of Uncertain Significance.

Ambry Genetics
Classification: Uncertain significance. Last evaluated: 2025-01-06. Review status: criteria provided, single submitter. Criteria: Ambry Variant Classification Scheme 2023. Collection method: clinical testing. Allele origin: germline.

NM_032447.5(FBN3):c.4048C>T (p.Arg1350Cys)

Gene: FBN3 (fibrillin 3; minus strand). Cytogenetic location: 19p13.2.
Variant type: single nucleotide variant.
Coding change: c.4048C>T on transcript NM_032447.5 (MANE Select); coding-DNA position 4048, C replaced by T.
Protein change: p.Arg1350Cys; replaces arginine 1350 with cysteine.
Molecular consequence: missense variant.
Genome position (GRCh38, 1-based): chr19:8,111,684, G>A on the plus strand (C>T on the coding strand, the complement: FBN3 is on the minus strand). VCF-style: chr19-8111684-G-A. GRCh37 (hg19) VCF-style: chr19-8176568-G-A.
Other names: c.4048C>T (NM_032447.3); c.4048C>T, p.Arg1350Cys (NM_001321431.2); short protein forms R1350C.
Identifiers: ClinVar variation 2080777 (VCV002080777.5), dbSNP rs149551378, ClinGen allele CA9152218.